The following is an entry in ClinVar:

NM_001114122.3(CHEK1):c.-191T>C

Genes: CHEK1 (checkpoint kinase 1; plus strand), LOC118567325 (uncharacterized LOC118567325; minus strand). Cytogenetic location: 11q24.2.
Variant type: single nucleotide variant.
Coding change: c.-191T>C on transcript NM_001114122.3 (MANE Select); 191 bases upstream of the start codon, T replaced by C.
Molecular consequence: 5 prime UTR variant. On other transcripts: non-coding transcript variant (2).
Genome position (GRCh38, 1-based): chr11:125,625,842, T>C. VCF-style: chr11-125625842-T-C. GRCh37 (hg19) VCF-style: chr11-125495737-T-C.
Other names: c.-191T>C (NM_001114121.2, NM_001244846.1); c.-270T>C (NM_001330427.2).
Identifiers: ClinVar variation 3060002 (VCV003060002.10), dbSNP rs112362212, ClinGen allele CA6349255.
Genomic context (GRCh38, chr11:125,625,842, plus strand): 5'-TCTCTTCAGCCAGGATCTCTCCCCGACTGCAAAGCAGCCCTGGGCGGGAGCGGCAACATC[T>C]CCACGTCACCCTTTTGGAGCCGCCGACATTCAGAGGGGCAGGACACGGGAACGCGCGCTG-3'

ClinVar aggregate classification (germline): Benign. Review status: criteria provided, single submitter (1 of 4 stars). 2 submissions from 2 submitters: Benign (1). 1 of the submissions does not count toward it. Last evaluated 2025-07-01.

Conditions:
CHEK1-related disorder. Also called: CHEK1-related condition.

Allele frequency attached by ClinVar (database versions not stated): 1000 Genomes Project 30x 0.00515; 1000 Genomes Project 0.00519; ExAC 0.01117.
gnomAD v4.1: 11,163 of 702,552 alleles (1.6%); highest among the groups gnomAD compares: Non-Finnish European, 2.1%; 114 homozygotes.

Submissions (2):

CeGaT Center for Human Genetics Tuebingen
Classification: Benign. Last evaluated: 2025-07-01. Review status: criteria provided, single submitter. Criteria: CeGaT Center For Human Genetics Tuebingen Variant Classification Criteria Version 2. Collection method: clinical testing. Allele origin: germline. Affected: yes. Observed: 1 variant allele.
Comment: CHEK1: BP4, BS1, BS2

PreventionGenetics, part of Exact Sciences
Classification: Benign for CHEK1-related condition. Last evaluated: 2019-11-15. Review status: no assertion criteria provided. Collection method: clinical testing. Allele origin: germline. Not counted in ClinVar's aggregate classification.
Comment: This variant is classified as benign based on ACMG/AMP sequence variant interpretation guidelines (Richards et al. 2015 PMID: 25741868, with internal and published modifications).